The following is an entry in ClinVar:

NM_003924.4(PHOX2B):c.158C>T (p.Ala53Val)

Genes: PHOX2B (paired like homeobox 2B; minus strand), PHOX2B-AS1 (PHOX2B antisense RNA 1; plus strand). Cytogenetic location: 4p13.
Variant type: single nucleotide variant.
Coding change: c.158C>T on transcript NM_003924.4 (MANE Select); coding-DNA position 158, C replaced by T.
Protein change: p.Ala53Val; replaces alanine 53 with valine.
Molecular consequence: missense variant.
Genome position (GRCh38, 1-based): chr4:41,748,453, G>A on the plus strand (C>T on the coding strand, the complement: PHOX2B is on the minus strand). VCF-style: chr4-41748453-G-A. GRCh37 (hg19) VCF-style: chr4-41750470-G-A.
Other names: short protein forms A53V.
Identifiers: ClinVar variation 858395 (VCV000858395.11), dbSNP rs1488529123, ClinGen allele CA356740953.

ClinVar aggregate classification (germline): Uncertain significance. Review status: criteria provided, multiple submitters, no conflicts (2 of 4 stars). 2 submissions from 2 submitters: Uncertain significance (2). Last evaluated 2024-06-07.

Conditions:
Haddad syndrome (OHD). Also called: Ondine-Hirschsprung disease. Identifiers: Orphanet 99803, MedGen C1859049, MONDO:0020493.
Hereditary cancer-predisposing syndrome. Also called: Tumor predisposition; Hereditary neoplastic syndrome; Neoplastic Syndromes, Hereditary; Hereditary Cancer Syndrome. Identifiers: Orphanet 140162, MedGen C0027672, MeSH D009386, MONDO:0015356.

Allele frequency attached by ClinVar (database versions not stated): gnomAD exomes below 0.00001.
gnomAD v4.1: 6 of 1,614,146 alleles (0.00037%); highest among the groups gnomAD compares: Non-Finnish European, 0.00051%; no homozygotes.

Submissions (2):

Ambry Genetics
Classification: Uncertain significance for Hereditary cancer-predisposing syndrome. Last evaluated: 2024-06-07. Review status: criteria provided, single submitter. Criteria: Ambry Variant Classification Scheme 2023. Collection method: clinical testing. Allele origin: germline.
Comment: The p.A53V variant (also known as c.158C>T), located in coding exon 1 of the PHOX2B gene, results from a C to T substitution at nucleotide position 158. The alanine at codon 53 is replaced by valine, an amino acid with similar properties. This amino acid position is conserved. In addition, the in silico prediction for this alteration is inconclusive. Based on the available evidence, the clinical significance of this variant remains unclear.

Labcorp Genetics (formerly Invitae), Labcorp
Classification: Uncertain significance for Haddad syndrome. Last evaluated: 2019-02-17. Review status: criteria provided, single submitter. Criteria: Invitae Variant Classification Sherloc (09022015). Collection method: clinical testing. Allele origin: germline.
Comment: In summary, the available evidence is currently insufficient to determine the role of this variant in disease. Therefore, it has been classified as a Variant of Uncertain Significance. Algorithms developed to predict the effect of missense changes on protein structure and function (SIFT, PolyPhen-2, Align-GVGD) all suggest that this variant is likely to be disruptive, but these predictions have not been confirmed by published functional studies and their clinical significance is uncertain. This variant has not been reported in the literature in individuals with PHOX2B-related conditions. This variant is not present in population databases (ExAC no frequency). This sequence change replaces alanine with valine at codon 53 of the PHOX2B protein (p.Ala53Val). The alanine residue is highly conserved and there is a small physicochemical difference between alanine and valine.